The following is an entry in ClinVar:

NM_022356.4(P3H1):c.1529A>G (p.Asn510Ser)

Gene: P3H1 (prolyl 3-hydroxylase 1; minus strand). Cytogenetic location: 1p34.2.
Variant type: single nucleotide variant.
Coding change: c.1529A>G on transcript NM_022356.4 (MANE Select); coding-DNA position 1529, A replaced by G.
Protein change: p.Asn510Ser; replaces asparagine 510 with serine.
Molecular consequence: missense variant.
Genome position (GRCh38, 1-based): chr1:42,752,314, T>C on the plus strand (A>G on the coding strand, the complement: P3H1 is on the minus strand). VCF-style: chr1-42752314-T-C. GRCh37 (hg19) VCF-style: chr1-43217985-T-C.
Other names: c.1529A>G, p.Asn510Ser (NM_001146289.2, NM_001243246.2); short protein forms N510S.
Identifiers: ClinVar variation 289042 (VCV000289042.26), dbSNP rs149894086, ClinGen allele CA801807.

ClinVar aggregate classification (germline): Conflicting classifications of pathogenicity. Review status: criteria provided, conflicting classifications (1 of 4 stars). 6 submissions from 6 submitters: Uncertain significance (1); Likely benign (4). 1 of the submissions does not count toward it. Last evaluated 2026-01-14.

Conditions:
P3H1-related disorder. Also called: P3H1-related condition.
Inborn genetic diseases. Identifiers: MedGen C0950123, MeSH D030342.
Osteogenesis imperfecta type 8 (OI8). Identifiers: MedGen C1970458, MONDO:0012581, OMIM 610915.

Allele frequency attached by ClinVar (database versions not stated): gnomAD exomes 0.00009 and 0.00025; ExAC 0.00033; gnomAD 0.00092; TOPMed 0.00092; ESP Exome Variant Server 0.00100; 1000 Genomes Project 30x 0.00156; 1000 Genomes Project 0.00200.
gnomAD v4.1: 276 of 1,614,108 alleles (0.017%); highest among the groups gnomAD compares: African/African-American, 0.32%; 2 homozygotes.

Submissions (6):

Labcorp Genetics (formerly Invitae), Labcorp
Classification: Likely benign for Osteogenesis imperfecta type 8. Last evaluated: 2026-01-14. Review status: criteria provided, single submitter. Criteria: Invitae Variant Classification Sherloc (09022015). Collection method: clinical testing. Allele origin: germline.

Ambry Genetics
Classification: Likely benign for Inborn genetic diseases. Last evaluated: 2025-11-07. Review status: criteria provided, single submitter. Criteria: Ambry Variant Classification Scheme 2023. Collection method: clinical testing. Allele origin: germline.

GeneDx
Classification: Likely benign. Last evaluated: 2019-05-24. Review status: criteria provided, single submitter. Criteria: GeneDx Variant Classification Process June 2021. Collection method: clinical testing. Allele origin: germline. Affected: yes.

ARUP Laboratories, Molecular Genetics and Genomics, ARUP Laboratories
Classification: Uncertain significance. Last evaluated: 2017-11-12. Review status: criteria provided, single submitter. Criteria: ARUP Molecular Germline Variant Investigation Process. Collection method: clinical testing. Allele origin: germline.

Eurofins Ntd Llc (ga)
Classification: Likely benign. Last evaluated: 2016-06-24. Review status: criteria provided, single submitter. Criteria: EGL Classification Definitions 2015. Collection method: clinical testing. Allele origin: germline. Observed: 1 variant allele, 1 heterozygote.

PreventionGenetics, part of Exact Sciences
Classification: Likely benign for P3H1-related condition. Last evaluated: 2022-09-20. Review status: no assertion criteria provided. Collection method: clinical testing. Allele origin: germline. Not counted in ClinVar's aggregate classification.
Comment: This variant is classified as likely benign based on ACMG/AMP sequence variant interpretation guidelines (Richards et al. 2015 PMID: 25741868, with internal and published modifications).